The following is an entry in ClinVar:

ClinVar aggregate classification (germline): Benign/Likely benign. Review status: criteria provided, multiple submitters, no conflicts (2 of 4 stars). 5 submissions from 5 submitters: Benign (1); Likely benign (4). Last evaluated 2024-04-02.

Conditions:
Classic or attenuated familial adenomatous polyposis. Identifiers: MedGen CN372698, MONDO:0021057.
Hereditary cancer-predisposing syndrome. Also called: Tumor predisposition; Hereditary Cancer Syndrome; Hereditary neoplastic syndrome; Neoplastic Syndromes, Hereditary. Identifiers: Orphanet 140162, MedGen C0027672, MeSH D009386, MONDO:0015356.
Familial adenomatous polyposis 1 (FAP1). Also called: FAMILIAL ADENOMATOUS POLYPOSIS 1, ATTENUATED; POLYPOSIS, ADENOMATOUS INTESTINAL. Identifiers: MedGen C2713442, MONDO:0021056, OMIM 175100. Disease mechanism: loss of function.

Allele frequency attached by ClinVar (database versions not stated): ExAC 0.00001; gnomAD 0.00001; 1000 Genomes Project 30x 0.00016; 1000 Genomes Project 0.00020.
gnomAD v4.1: 2 of 1,612,914 alleles (0.00012%); highest among the groups gnomAD compares: East Asian, 0.0045%; no homozygotes.

Submissions (5):

Myriad Genetics, Inc.
Classification: Benign for Familial adenomatous polyposis 1. Last evaluated: 2024-04-02. Review status: criteria provided, single submitter. Criteria: Myriad Autosomal Dominant, Autosomal Recessive and X-Linked Classification Criteria (2023). Collection method: clinical testing. Allele origin: unknown.
Comment: This variant is considered benign. This variant is a silent/synonymous amino acid change and it is not expected to impact splicing.

Labcorp Genetics (formerly Invitae), Labcorp
Classification: Likely benign for Familial adenomatous polyposis 1. Last evaluated: 2024-02-01. Review status: criteria provided, single submitter. Criteria: Invitae Variant Classification Sherloc (09022015). Collection method: clinical testing. Allele origin: germline.

All of Us Research Program, National Institutes of Health
Classification: Likely benign for Classic or attenuated familial adenomatous polyposis. Last evaluated: 2023-12-01. Review status: criteria provided, single submitter. Criteria: ACMG Guidelines, 2015. Collection method: clinical testing. Allele origin: germline. Inheritance: Autosomal dominant inheritance. Observed: 2 variant alleles, 2 heterozygotes.
Comment: This study involves interpretation of variants in research participants for the purpose of population health screening. Participant phenotype was not available at the time of variant classification. Additional details can be found in publication PMID: 35346344, PMCID: PMC8962531

Color Diagnostics, LLC DBA Color Health
Classification: Likely benign for Hereditary cancer-predisposing syndrome. Last evaluated: 2019-09-18. Review status: criteria provided, single submitter. Criteria: ACMG Guidelines, 2015. Collection method: clinical testing. Allele origin: germline.

Ambry Genetics
Classification: Likely benign for Hereditary cancer-predisposing syndrome. Last evaluated: 2019-06-26. Review status: criteria provided, single submitter. Criteria: Ambry Variant Classification Scheme 2023. Collection method: clinical testing. Allele origin: germline.

NM_000038.6(APC):c.5526A>G (p.Ser1842=)

Gene: APC (APC regulator of Wnt signaling pathway; plus strand). Cytogenetic location: 5q22.2.
Variant type: single nucleotide variant.
Coding change: c.5526A>G on transcript NM_000038.6 (MANE Select); coding-DNA position 5526, A replaced by G.
Protein change: p.Ser1842=; no amino-acid change (serine 1842 retained).
Molecular consequence: synonymous variant.
Genome position (GRCh38, 1-based): chr5:112,841,120, A>G. VCF-style: chr5-112841120-A-G. GRCh37 (hg19) VCF-style: chr5-112176817-A-G.
Other names: c.5526A>G, p.Ser1842= (NM_001127510.3, NM_001354895.2); c.5472A>G, p.Ser1824= (NM_001127511.3); c.5580A>G, p.Ser1860= (NM_001354896.2); c.5556A>G, p.Ser1852= (NM_001354897.2); c.5451A>G, p.Ser1817= (NM_001354898.2); c.5442A>G, p.Ser1814= (NM_001354899.2); c.5403A>G, p.Ser1801= (NM_001354900.2); c.5349A>G, p.Ser1783= (NM_001354901.2); and 5 more.
Identifiers: ClinVar variation 537632 (VCV000537632.18), dbSNP rs577725739, ClinGen allele CA042240.